The following is an entry in ClinVar:

NM_000038.6(APC):c.7167T>C (p.Ser2389=)

Gene: APC (APC regulator of Wnt signaling pathway; plus strand). Cytogenetic location: 5q22.2.
Variant type: single nucleotide variant.
Coding change: c.7167T>C on transcript NM_000038.6 (MANE Select); coding-DNA position 7167, T replaced by C.
Protein change: p.Ser2389=; no amino-acid change (serine 2389 retained).
Molecular consequence: synonymous variant.
Genome position (GRCh38, 1-based): chr5:112,842,761, T>C. VCF-style: chr5-112842761-T-C. GRCh37 (hg19) VCF-style: chr5-112178458-T-C.
Other names: c.7167T>C (NM_000038.5); c.7167T>C, p.Ser2389= (NM_001127510.3, NM_001354895.2); c.7113T>C, p.Ser2371= (NM_001127511.3); c.7221T>C, p.Ser2407= (NM_001354896.2); c.7197T>C, p.Ser2399= (NM_001354897.2); c.7092T>C, p.Ser2364= (NM_001354898.2); c.7083T>C, p.Ser2361= (NM_001354899.2); c.7044T>C, p.Ser2348= (NM_001354900.2); and 6 more.
Identifiers: ClinVar variation 1118150 (VCV001118150.20), dbSNP rs2149981371, ClinGen allele CA446210163.

ClinVar aggregate classification (germline): Likely benign. Review status: criteria provided, multiple submitters, no conflicts (2 of 4 stars). 3 submissions from 3 submitters: Likely benign (3). Last evaluated 2025-08-01.

Conditions:
Hereditary cancer-predisposing syndrome. Also called: Neoplastic Syndromes, Hereditary; Tumor predisposition; Hereditary neoplastic syndrome; Hereditary Cancer Syndrome. Identifiers: Orphanet 140162, MedGen C0027672, MeSH D009386, MONDO:0015356.
Familial adenomatous polyposis 1 (FAP1). Also called: POLYPOSIS, ADENOMATOUS INTESTINAL; FAMILIAL ADENOMATOUS POLYPOSIS 1, ATTENUATED. Identifiers: MedGen C2713442, MONDO:0021056, OMIM 175100. Disease mechanism: loss of function.

Submissions (3):

CeGaT Center for Human Genetics Tuebingen
Classification: Likely benign. Last evaluated: 2025-08-01. Review status: criteria provided, single submitter. Criteria: CeGaT Center For Human Genetics Tuebingen Variant Classification Criteria Version 2. Collection method: clinical testing. Allele origin: germline. Affected: yes. Observed: 1 variant allele.
Comment: APC: PM2:Supporting, BP4, BP7

Ambry Genetics
Classification: Likely benign for Hereditary cancer-predisposing syndrome. Last evaluated: 2022-12-23. Review status: criteria provided, single submitter. Criteria: Ambry Variant Classification Scheme 2023. Collection method: clinical testing. Allele origin: germline.

Labcorp Genetics (formerly Invitae), Labcorp
Classification: Likely benign for Familial adenomatous polyposis 1. Last evaluated: 2020-09-10. Review status: criteria provided, single submitter. Criteria: Invitae Variant Classification Sherloc (09022015). Collection method: clinical testing. Allele origin: germline.